The following is an entry in ClinVar:

NM_007294.4(BRCA1):c.4925C>A (p.Ser1642Ter)

Gene: BRCA1 (BRCA1 DNA repair associated; minus strand). Cytogenetic location: 17q21.31.
Variant type: single nucleotide variant.
Coding change: c.4925C>A on transcript NM_007294.4 (MANE Select); coding-DNA position 4925, C replaced by A.
Protein change: p.Ser1642Ter; replaces serine 1642 with a stop codon.
Molecular consequence: nonsense. On other transcripts: non-coding transcript variant (1).
Genome position (GRCh38, 1-based): chr17:43,070,989, G>T on the plus strand (C>A on the coding strand, the complement: BRCA1 is on the minus strand). VCF-style: chr17-43070989-G-T. GRCh37 (hg19) VCF-style: chr17-41223006-G-T.
Other names: c.1472C>A, p.Ser491Ter (NM_001408465.1, NM_001408466.1, NM_001408467.1 and 7 more transcripts); c.1469C>A, p.Ser490Ter (NM_001408468.1, NM_001408469.1, NM_001408470.1); c.1613C>A, p.Ser538Ter (NM_001408472.1, NM_007298.4, NM_007299.4 and 13 more transcripts); c.1610C>A, p.Ser537Ter (NM_001408473.1, NM_001408404.1, NM_001408392.1 and 8 more transcripts); c.1403C>A, p.Ser468Ter (NM_001408485.1, NM_001408489.1, NM_001408490.1 and 5 more transcripts); c.1400C>A, p.Ser467Ter (NM_001408492.1, NM_001408493.1); c.1376C>A, p.Ser459Ter (NM_001408494.1); c.1370C>A, p.Ser457Ter (NM_001408495.1); and 70 more; short protein forms S1642*, S1663*, S538*, S1595*, S560*, S561*, S1638*, S1639*.
Identifiers: ClinVar variation 868851 (VCV000868851.30), dbSNP rs2052376303, ClinGen allele CA10591672.
Genomic context (GRCh38, chr17:43,070,989, plus strand): 5'-AATTCTTCTGGGGTCAGGCCAGACACCACCATGGACATTCTTTTGTTGACCCTTTCTGTT[G>T]AAGCTGTCAATTCTGGCTTCTCCCTGCTCACACTTTCTTCCATTGCATTATACCCAGCAG-3'

ClinVar aggregate classification (germline): Pathogenic (1 of 4 stars; one submission).

Conditions:
Hereditary breast ovarian cancer syndrome. Also called: Hereditary breast and ovarian cancer; Hereditary breast and ovarian cancer syndrome (HBOC); Breast and ovarian cancer; Hereditary breast and/or ovarian cancer syndrome; BRCA1- and BRCA2-Associated Hereditary Breast and Ovarian Cancer; Hereditary breast and ovarian cancer syndrome. Identifiers: Orphanet 145, MedGen C0677776, MeSH D061325, MONDO:0003582. Disease mechanism: loss of function.

Submissions (2):

Genetics Program, Instituto Nacional de Cancer
Classification: Pathogenic for Hereditary breast ovarian cancer syndrome. Last evaluated: 2021-11-01. Review status: criteria provided, single submitter. Criteria: ACMG Guidelines, 2015. Collection method: research. Allele origin: germline. Affected: yes.

Brotman Baty Institute, University of Washington
No classification provided (evidence only). Condition: Breast-ovarian cancer, familial 1. Review status: no classification provided. Collection method: in vitro. Allele origin: not applicable. Functional consequence: functionally_abnormal. Not counted in ClinVar's aggregate classification.
ClinVar note: "not provided" was previously submitted as the classification for the variant. However, the classification appeared to be based only on an observation of functional data so it was converted to no classification on 2025-07-30.

Literature cited by the submitters: PubMed 36329109 (cited by Genetics Program, Instituto Nacional de Cancer); PubMed 30209399 (cited by Genetics Program, Instituto Nacional de Cancer).